The following is an entry in ClinVar:

ClinVar aggregate classification (germline): Uncertain significance (1 of 4 stars; one submission).

Conditions:
Combined oxidative phosphorylation defect type 27. Also called: Combined oxidative phosphorylation deficiency 27. Identifiers: Orphanet 477774, MedGen C5567608, MONDO:0014728, OMIM 616672.

Allele frequency attached by ClinVar (database versions not stated): TOPMed below 0.00001; gnomAD 0.00001; gnomAD exomes 0.00001.
gnomAD v4.1: 13 of 1,545,174 alleles (0.00084%); highest among the groups gnomAD compares: Non-Finnish European, 0.0011%; no homozygotes.

Submission:

Labcorp Genetics (formerly Invitae), Labcorp
Classification: Uncertain significance for Combined oxidative phosphorylation defect type 27. Last evaluated: 2024-10-25. Review status: criteria provided, single submitter. Criteria: Invitae Variant Classification Sherloc (09022015). Collection method: clinical testing. Allele origin: germline.
Comment: This sequence change falls in intron 5 of the CARS2 gene. It does not directly change the encoded amino acid sequence of the CARS2 protein. It affects a nucleotide within the consensus splice site. This variant is present in population databases (no rsID available, gnomAD 0.002%). This variant has not been reported in the literature in individuals affected with CARS2-related conditions. ClinVar contains an entry for this variant (Variation ID: 1425280). Variants that disrupt the consensus splice site are a relatively common cause of aberrant splicing (PMID: 17576681, 9536098). Algorithms developed to predict the effect of sequence changes on RNA splicing suggest that this variant is not likely to affect RNA splicing. In summary, the available evidence is currently insufficient to determine the role of this variant in disease. Therefore, it has been classified as a Variant of Uncertain Significance.

Literature cited by the submitters: PubMed 17576681; PubMed 9536098.

NM_024537.4(CARS2):c.571+5G>C

Gene: CARS2 (cysteinyl-tRNA synthetase 2, mitochondrial; minus strand). Cytogenetic location: 13q34.
Variant type: single nucleotide variant.
Coding change: c.571+5G>C on transcript NM_024537.4 (MANE Select); 5 bases into the intron after coding-DNA position 571, G replaced by C.
Molecular consequence: intron variant.
Genome position (GRCh38, 1-based): chr13:110,687,716, C>G on the plus strand (G>C on the coding strand, the complement: CARS2 is on the minus strand). VCF-style: chr13-110687716-C-G. GRCh37 (hg19) VCF-style: chr13-111340063-C-G.
Other names: c.-429+5G>C (NM_001352252.2); c.571+5G>C (NM_001352253.3).
Identifiers: ClinVar variation 1425280 (VCV001425280.6), dbSNP rs1005137257, ClinGen allele CA256315121.